The following is an entry in ClinVar:

ClinVar aggregate classification (germline): Uncertain significance. Review status: criteria provided, multiple submitters, no conflicts (2 of 4 stars). 3 submissions from 3 submitters: Uncertain significance (3). Last evaluated 2025-10-01.

Conditions:
Inborn genetic diseases. Identifiers: MedGen C0950123, MeSH D030342.
Growth delay due to insulin-like growth factor I resistance. Also called: IGF-I RESISTANCE; Insulin-Like Growth Factor I Resistance; Somatomedin end-organ insensitivity to; Somatomedin-c resistance to; IGF-1 resistance. Identifiers: Orphanet 73273, MedGen C1849157, MONDO:0010038, OMIM 270450.

Allele frequency attached by ClinVar (database versions not stated): TOPMed below 0.00001; gnomAD 0.00001; gnomAD exomes 0.00001; ExAC 0.00002.
gnomAD v4.1: 10 of 1,613,814 alleles (0.00062%); highest among the groups gnomAD compares: Admixed American, 0.013%; no homozygotes.

Submissions (3):

Labcorp Genetics (formerly Invitae), Labcorp
Classification: Uncertain significance. Last evaluated: 2025-10-01. Review status: criteria provided, single submitter. Criteria: Invitae Variant Classification Sherloc (09022015). Collection method: clinical testing. Allele origin: germline.
Comment: This sequence change replaces valine, which is neutral and non-polar, with isoleucine, which is neutral and non-polar, at codon 1103 of the IGF1R protein (p.Val1103Ile). This variant is present in population databases (rs776238072, gnomAD 0.009%). This variant has not been reported in the literature in individuals affected with IGF1R-related conditions. ClinVar contains an entry for this variant (Variation ID: 2456847). Invitae Evidence Modeling of protein sequence and biophysical properties (such as structural, functional, and spatial information, amino acid conservation, physicochemical variation, residue mobility, and thermodynamic stability) indicates that this missense variant is not expected to disrupt IGF1R protein function with a negative predictive value of 80%. In summary, the available evidence is currently insufficient to determine the role of this variant in disease. Therefore, it has been classified as a Variant of Uncertain Significance.

Ambry Genetics
Classification: Uncertain significance for Inborn genetic diseases. Last evaluated: 2025-04-03. Review status: criteria provided, single submitter. Criteria: Ambry Variant Classification Scheme 2023. Collection method: clinical testing. Allele origin: germline.

Department of Pathology and Laboratory Medicine, Sinai Health System
Classification: Uncertain significance for Growth delay due to insulin-like growth factor I resistance. Last evaluated: 2023-05-30. Review status: criteria provided, single submitter. Criteria: ACMG Guidelines, 2015. Collection method: research. Allele origin: germline.

NM_000875.5(IGF1R):c.3307G>A (p.Val1103Ile)

Gene: IGF1R (insulin like growth factor 1 receptor; plus strand). Cytogenetic location: 15q26.3.
Variant type: single nucleotide variant.
Coding change: c.3307G>A on transcript NM_000875.5 (MANE Select); coding-DNA position 3307, G replaced by A.
Protein change: p.Val1103Ile; replaces valine 1103 with isoleucine.
Molecular consequence: missense variant.
Genome position (GRCh38, 1-based): chr15:98,939,210, G>A. VCF-style: chr15-98939210-G-A. GRCh37 (hg19) VCF-style: chr15-99482439-G-A.
Other names: c.3304G>A, p.Val1102Ile (NM_001291858.2); short protein forms V1102I, V1103I.
Identifiers: ClinVar variation 2456847 (VCV002456847.6), dbSNP rs776238072, ClinGen allele CA7752654.
Genomic context (GRCh38, chr15:98,939,210, plus strand): 5'-GGAAAAAAAAAATCCAAAATTCTCATGTGAATTTTTTTAAATCTCCAACAGAATAATCCA[G>A]TCCTAGCACCTCCAAGCCTGAGCAAGATGATTCAGATGGCCGGAGAGATTGCAGACGGCA-3'
Protein context (NP_000866.1, residues 1093-1113): SLRPEMENNP[Val1103Ile]LAPPSLSKMI